The following is an entry in ClinVar:

NM_003221.4(TFAP2B):c.670G>A (p.Val224Ile)

Gene: TFAP2B (transcription factor AP-2 beta; plus strand). Cytogenetic location: 6p12.3.
Variant type: single nucleotide variant.
Coding change: c.670G>A on transcript NM_003221.4 (MANE Select); coding-DNA position 670, G replaced by A.
Protein change: p.Val224Ile; replaces valine 224 with isoleucine.
Molecular consequence: missense variant.
Genome position (GRCh38, 1-based): chr6:50,836,129, G>A. VCF-style: chr6-50836129-G-A. GRCh37 (hg19) VCF-style: chr6-50803842-G-A.
Other names: short protein forms V224I.
Identifiers: ClinVar variation 2136297 (VCV002136297.6), dbSNP rs141129222, ClinGen allele CA3850412.

ClinVar aggregate classification (germline): Conflicting classifications of pathogenicity. Review status: criteria provided, conflicting classifications (1 of 4 stars). 5 submissions from 5 submitters: Uncertain significance (2); Likely benign (3). Last evaluated 2025-12-02.

Conditions:
TFAP2B-related disorder. Also called: TFAP2B-related condition.
Inborn genetic diseases. Identifiers: MedGen C0950123, MeSH D030342.

Allele frequency attached by ClinVar (database versions not stated): gnomAD 0.00003 and 0.00017; 1000 Genomes Project 30x 0.00016; ExAC 0.00017; 1000 Genomes Project 0.00020; gnomAD exomes 0.00020 and 0.00025; TOPMed 0.00022 and 0.00023; ESP Exome Variant Server 0.00038.
gnomAD v4.1: 318 of 1,614,124 alleles (0.02%); highest among the groups gnomAD compares: Middle Eastern, 0.13%; 2 homozygotes.

Submissions (5):

PreventionGenetics, part of Exact Sciences
Classification: Likely benign for TFAP2B-related condition. Last evaluated: 2025-12-02. Review status: criteria provided, single submitter. Criteria: ACMG Guidelines, 2015. Collection method: clinical testing. Allele origin: germline.
Comment: This variant is classified as likely benign based on ACMG/AMP sequence variant interpretation guidelines (Richards et al. 2015 PMID: 25741868, with internal and published modifications).

Blueprint Genetics
Classification: Likely benign. Last evaluated: 2024-08-19. Review status: criteria provided, single submitter. Criteria: ACMG Guidelines, 2015. Collection method: clinical testing. Allele origin: germline.

Labcorp Genetics (formerly Invitae), Labcorp
Classification: Likely benign. Last evaluated: 2024-06-25. Review status: criteria provided, single submitter. Criteria: Invitae Variant Classification Sherloc (09022015). Collection method: clinical testing. Allele origin: germline.

GeneDx
Classification: Uncertain significance. Last evaluated: 2022-07-13. Review status: criteria provided, single submitter. Criteria: GeneDx Variant Classification Process June 2021. Collection method: clinical testing. Allele origin: germline. Affected: yes.
Comment: In silico analysis supports that this missense variant does not alter protein structure/function; Has not been previously published as pathogenic or benign to our knowledge

Ambry Genetics
Classification: Uncertain significance for Inborn genetic diseases. Last evaluated: 2021-11-05. Review status: criteria provided, single submitter. Criteria: Ambry Variant Classification Scheme 2023. Collection method: clinical testing. Allele origin: germline.